The following is an entry in ClinVar:

NM_032638.5(GATA2):c.715C>T (p.Gln239Ter)

Gene: GATA2 (GATA binding protein 2; minus strand). Cytogenetic location: 3q21.3.
Variant type: single nucleotide variant.
Coding change: c.715C>T on transcript NM_032638.5 (MANE Select); coding-DNA position 715, C replaced by T.
Protein change: p.Gln239Ter; replaces glutamine 239 with a stop codon.
Molecular consequence: nonsense.
Genome position (GRCh38, 1-based): chr3:128,485,883, G>A on the plus strand (C>T on the coding strand, the complement: GATA2 is on the minus strand). VCF-style: chr3-128485883-G-A. GRCh37 (hg19) VCF-style: chr3-128204726-G-A.
Other names: c.715C>T, p.Gln239Ter (NM_001145661.2, NM_001145662.1); short protein forms Q239*.
Identifiers: ClinVar variation 3756708 (VCV003756708.2).

ClinVar aggregate classification (germline): Pathogenic (1 of 4 stars; one submission).

Conditions:
Deafness-lymphedema-leukemia syndrome. Also called: Lymphedema, primary, with myelodysplasia; Emberger syndrome. Identifiers: Orphanet 3226, MedGen C3279664, MONDO:0013540, OMIM 614038.
Monocytopenia with susceptibility to infections. Also called: MONOCYTOPENIA AND MYCOBACTERIAL INFECTION SYNDROME; MONOCYTOPENIA WITH SUSCEPTIBILITY TO MYCOBACTERIAL, FUNGAL, AND PAPILLOMAVIRUS INFECTIONS AND MYELODYSPLASIA; COMBINED IMMUNODEFICIENCY WITH SUSCEPTIBILITY TO MYCOBACTERIAL, VIRAL, AND FUNGAL INFECTIONS; Dendritic cell, monocyte, B lymphocyte, and natural killer lymphocyte deficiency; IMMUNODEFICIENCY 21; GATA2 DEFICIENCY. Identifiers: Orphanet 228423, MedGen C3280030, MONDO:0013607, OMIM 614172.

Submission:

Labcorp Genetics (formerly Invitae), Labcorp
Classification: Pathogenic for Monocytopenia with susceptibility to infections; Deafness-lymphedema-leukemia syndrome. Last evaluated: 2024-06-05. Review status: criteria provided, single submitter. Criteria: Invitae Variant Classification Sherloc (09022015). Collection method: clinical testing. Allele origin: germline.
Comment: This sequence change creates a premature translational stop signal (p.Gln239*) in the GATA2 gene. It is expected to result in an absent or disrupted protein product. Loss-of-function variants in GATA2 are known to be pathogenic (PMID: 21670465, 23223431). This variant is not present in population databases (gnomAD no frequency). This premature translational stop signal has been observed in individual(s) with GATA2 deficiency (PMID: 36357187). For these reasons, this variant has been classified as Pathogenic.

Literature cited by the submitters: PubMed 21670465; PubMed 23223431; PubMed 36357187.